The following is an entry in ClinVar:

ClinVar aggregate classification (germline): Likely benign (1 of 4 stars; one submission).

gnomAD v4.1: 14 of 1,207,517 alleles (0.0012%); highest among the groups gnomAD compares: Admixed American, 0.02%; no homozygotes.

Submission:

CeGaT Center for Human Genetics Tuebingen
Classification: Likely benign. Last evaluated: 2026-07-01. Review status: criteria provided, single submitter. Criteria: CeGaT Center For Human Genetics Tuebingen Variant Classification Criteria Version 2. Collection method: clinical testing. Allele origin: germline. Affected: yes. Observed: 1 variant allele.
Comment: GLRA4: BP4

NM_182541.2(TMEM31):c.103-81T>C

Gene: TMEM31 (transmembrane protein 31; plus strand). Cytogenetic location: Xq22.2.
Variant type: single nucleotide variant.
Coding change: c.103-81T>C on transcript NM_182541.2 (MANE Select); 81 bases into the intron before coding-DNA position 103, T replaced by C.
Molecular consequence: intron variant.
Genome position (GRCh38, 1-based): chrX:103,713,513, T>C. VCF-style: chrX-103713513-T-C. GRCh37 (hg19) VCF-style: chrX-102968441-T-C.
Identifiers: ClinVar variation 5039046 (VCV005039046.1).